The following is an entry in ClinVar:

NM_000179.3(MSH6):c.1278T>C (p.Cys426=)

Gene: MSH6 (mutS homolog 6; plus strand). Cytogenetic location: 2p16.3.
Variant type: single nucleotide variant.
Coding change: c.1278T>C on transcript NM_000179.3 (MANE Select); coding-DNA position 1278, T replaced by C.
Protein change: p.Cys426=; no amino-acid change (cysteine 426 retained).
Molecular consequence: synonymous variant. On other transcripts: non-coding transcript variant (4), intron variant (1).
Genome position (GRCh38, 1-based): chr2:47,799,261, T>C. VCF-style: chr2-47799261-T-C. GRCh37 (hg19) VCF-style: chr2-48026400-T-C.
Other names: c.888T>C, p.Cys296= (NM_001281492.2); c.372T>C, p.Cys124= (NM_001281493.2, NM_001281494.2, NM_001406811.1 and 6 more transcripts); c.1374T>C, p.Cys458= (NM_001406795.1, NM_001406802.1); c.1278T>C, p.Cys426= (NM_001406796.1, NM_001406798.1, NM_001406800.1 and 4 more transcripts); c.981T>C, p.Cys327= (NM_001406797.1, NM_001406801.1, NM_001406805.1 and 10 more transcripts); c.753T>C, p.Cys251= (NM_001406799.1, NM_001406806.1, NM_001406807.1); c.1200T>C, p.Cys400= (NM_001406804.1); c.1284T>C, p.Cys428= (NM_001406813.1); and 2 more.
Identifiers: ClinVar variation 1767192 (VCV001767192.8), dbSNP rs1669314939, ClinGen allele CA426120891.

ClinVar aggregate classification (germline): Benign/Likely benign. Review status: criteria provided, multiple submitters, no conflicts (2 of 4 stars). 5 submissions from 5 submitters: Benign (1); Likely benign (3). 1 of the submissions does not count toward it. Last evaluated 2025-09-10.

Conditions:
Hereditary nonpolyposis colorectal neoplasms. Identifiers: MedGen C0009405, MeSH D003123.
MSH6-related disorder. Also called: MSH6-related condition; MSH6-Related disorders.
Hereditary cancer-predisposing syndrome. Also called: Hereditary Cancer Syndrome; Hereditary neoplastic syndrome; Neoplastic Syndromes, Hereditary; Tumor predisposition. Identifiers: Orphanet 140162, MedGen C0027672, MeSH D009386, MONDO:0015356.
Lynch syndrome. Identifiers: Orphanet 144, MedGen C4552100, MONDO:0005835. Disease mechanism: loss of function.
Lynch syndrome 5 (LYNCH5). Also called: Hereditary non-polyposis colorectal cancer, type 5; Colorectal cancer, hereditary nonpolyposis, type 5. Identifiers: Orphanet 144, MedGen C1833477, MONDO:0013710, OMIM 614350. Disease mechanism: loss of function.

Allele frequency attached by ClinVar (database versions not stated): gnomAD exomes below 0.00001.
gnomAD v4.1: 2 of 1,614,130 alleles (0.00012%); highest among the groups gnomAD compares: African/African-American, 0.0027%; no homozygotes.

Submissions (5):

Labcorp Genetics (formerly Invitae), Labcorp
Classification: Likely benign for Hereditary nonpolyposis colorectal neoplasms. Last evaluated: 2025-09-10. Review status: criteria provided, single submitter. Criteria: Invitae Variant Classification Sherloc (09022015). Collection method: clinical testing. Allele origin: germline.

Myriad Genetics, Inc.
Classification: Benign for Lynch syndrome 5. Last evaluated: 2024-12-26. Review status: criteria provided, single submitter. Criteria: Myriad Autosomal Dominant, Autosomal Recessive and X-Linked Classification Criteria (2023). Collection method: clinical testing. Allele origin: unknown.
Comment: This variant is considered benign. This variant is a silent/synonymous amino acid change and it is not expected to impact splicing.

All of Us Research Program, National Institutes of Health
Classification: Likely benign for Lynch syndrome. Last evaluated: 2023-12-13. Review status: criteria provided, single submitter. Criteria: ACMG Guidelines, 2015. Collection method: clinical testing. Allele origin: germline. Inheritance: Autosomal dominant inheritance. Observed: 1 variant allele, 1 heterozygote.
Comment: This study involves interpretation of variants in research participants for the purpose of population health screening. Participant phenotype was not available at the time of variant classification. Additional details can be found in publication PMID: 35346344, PMCID: PMC8962531

Ambry Genetics
Classification: Likely benign for Hereditary cancer-predisposing syndrome. Last evaluated: 2021-06-07. Review status: criteria provided, single submitter. Criteria: Ambry Variant Classification Scheme 2023. Collection method: clinical testing. Allele origin: germline.

PreventionGenetics, part of Exact Sciences
Classification: Likely benign for MSH6-related condition. Last evaluated: 2024-03-06. Review status: no assertion criteria provided. Collection method: clinical testing. Allele origin: germline. Not counted in ClinVar's aggregate classification.
Comment: This variant is classified as likely benign based on ACMG/AMP sequence variant interpretation guidelines (Richards et al. 2015 PMID: 25741868, with internal and published modifications).